The following is an entry in ClinVar:

ClinVar aggregate classification (germline): Uncertain significance (1 of 4 stars; one submission).

Conditions:
Familial hemophagocytic lymphohistiocytosis 4 (FHL4). Also called: STX11-Related Familial Hemophagocytic Lymphohistiocytosis (STX11-fHLH). Identifiers: Orphanet 540, MedGen C1863728, MONDO:0011336, OMIM 603552.

Allele frequency attached by ClinVar (database versions not stated): gnomAD exomes below 0.00001.
gnomAD v4.1: 6 of 1,613,946 alleles (0.00037%); highest among the groups gnomAD compares: African/African-American, 0.0013%; no homozygotes.

Submission:

Labcorp Genetics (formerly Invitae), Labcorp
Classification: Uncertain significance for Familial hemophagocytic lymphohistiocytosis 4. Last evaluated: 2022-04-20. Review status: criteria provided, single submitter. Criteria: Invitae Variant Classification Sherloc (09022015). Collection method: clinical testing. Allele origin: germline.
Comment: This sequence change replaces isoleucine, which is neutral and non-polar, with valine, which is neutral and non-polar, at codon 167 of the STX11 protein (p.Ile167Val). This variant is not present in population databases (gnomAD no frequency). This variant has not been reported in the literature in individuals affected with STX11-related conditions. Algorithms developed to predict the effect of missense changes on protein structure and function (SIFT, PolyPhen-2, Align-GVGD) all suggest that this variant is likely to be tolerated. In summary, the available evidence is currently insufficient to determine the role of this variant in disease. Therefore, it has been classified as a Variant of Uncertain Significance.

NM_003764.4(STX11):c.499A>G (p.Ile167Val)

Gene: STX11 (syntaxin 11; plus strand). Cytogenetic location: 6q24.2.
Variant type: single nucleotide variant.
Coding change: c.499A>G on transcript NM_003764.4 (MANE Select); coding-DNA position 499, A replaced by G.
Protein change: p.Ile167Val; replaces isoleucine 167 with valine.
Molecular consequence: missense variant.
Genome position (GRCh38, 1-based): chr6:144,187,126, A>G. VCF-style: chr6-144187126-A-G. GRCh37 (hg19) VCF-style: chr6-144508263-A-G.
Other names: short protein forms I167V.
Identifiers: ClinVar variation 1980912 (VCV001980912.2), dbSNP rs2533803146, ClinGen allele CA365949369.